The following is an entry in ClinVar:

NM_033004.4(NLRP1):c.1121A>G (p.Gln374Arg)

Gene: NLRP1 (NLR family pyrin domain containing 1; minus strand). Cytogenetic location: 17p13.2.
Variant type: single nucleotide variant.
Coding change: c.1121A>G on transcript NM_033004.4 (MANE Select); coding-DNA position 1121, A replaced by G.
Protein change: p.Gln374Arg; replaces glutamine 374 with arginine.
Molecular consequence: missense variant.
Genome position (GRCh38, 1-based): chr17:5,559,575, T>C on the plus strand (A>G on the coding strand, the complement: NLRP1 is on the minus strand). VCF-style: chr17-5559575-T-C. GRCh37 (hg19) VCF-style: chr17-5462895-T-C.
Other names: c.1121A>G, p.Gln374Arg (NM_001033053.3, NM_014922.5, NM_033006.4 and 1 more transcripts); short protein forms Q374R.
Identifiers: ClinVar variation 2130267 (VCV002130267.4), dbSNP rs1171858462, ClinGen allele CA397386883.

ClinVar aggregate classification (germline): Uncertain significance (1 of 4 stars; one submission).

Allele frequency attached by ClinVar (database versions not stated): gnomAD exomes below 0.00001; gnomAD 0.00001.
gnomAD v4.1: 2 of 1,614,252 alleles (0.00012%); highest among the groups gnomAD compares: East Asian, 0.0022%; no homozygotes.

Submission:

Labcorp Genetics (formerly Invitae), Labcorp
Classification: Uncertain significance. Last evaluated: 2022-04-24. Review status: criteria provided, single submitter. Criteria: Invitae Variant Classification Sherloc (09022015). Collection method: clinical testing. Allele origin: germline.
Comment: This sequence change replaces glutamine, which is neutral and polar, with arginine, which is basic and polar, at codon 374 of the NLRP1 protein (p.Gln374Arg). This variant is present in population databases (no rsID available, gnomAD 0.003%). This variant has not been reported in the literature in individuals affected with NLRP1-related conditions. Algorithms developed to predict the effect of missense changes on protein structure and function output the following: SIFT: "Tolerated"; PolyPhen-2: "Benign"; Align-GVGD: "Class C0". The arginine amino acid residue is found in multiple mammalian species, which suggests that this missense change does not adversely affect protein function. In summary, the available evidence is currently insufficient to determine the role of this variant in disease. Therefore, it has been classified as a Variant of Uncertain Significance.